The following is an entry in ClinVar:

ClinVar aggregate classification (germline): Uncertain significance (1 of 4 stars; one submission).

Conditions:
Inborn genetic diseases. Identifiers: MedGen C0950123, MeSH D030342.

gnomAD v4.1: 10 of 1,480,262 alleles (0.00068%); highest among the groups gnomAD compares: Non-Finnish European, 0.00062%; no homozygotes.

Submission:

Ambry Genetics
Classification: Uncertain significance for Inborn genetic diseases. Last evaluated: 2025-01-04. Review status: criteria provided, single submitter. Criteria: Ambry Variant Classification Scheme 2023. Collection method: clinical testing. Allele origin: germline.
Comment: The p.L205P variant (also known as c.614T>C), located in coding exon 1 of the SH2B3 gene, results from a T to C substitution at nucleotide position 614. The leucine at codon 205 is replaced by proline, an amino acid with similar properties. This amino acid position is conserved. In addition, the in silico prediction for this alteration is inconclusive. Based on the available evidence, the clinical significance of this variant remains unclear.

NM_005475.3(SH2B3):c.614T>C (p.Leu205Pro)

Gene: SH2B3 (SH2B adaptor protein 3; plus strand). Cytogenetic location: 12q24.12.
Variant type: single nucleotide variant.
Coding change: c.614T>C on transcript NM_005475.3 (MANE Select); coding-DNA position 614, T replaced by C.
Protein change: p.Leu205Pro; replaces leucine 205 with proline.
Molecular consequence: missense variant.
Genome position (GRCh38, 1-based): chr12:111,418,759, T>C. VCF-style: chr12-111418759-T-C. GRCh37 (hg19) VCF-style: chr12-111856563-T-C.
Other names: short protein forms L205P.
Identifiers: ClinVar variation 3795071 (VCV003795071.1).